The following is an entry in ClinVar:

ClinVar aggregate classification (germline): Likely benign. Review status: criteria provided, single submitter (1 of 4 stars). 2 submissions from 2 submitters: Likely benign (1). 1 of the submissions does not count toward it. Last evaluated 2022-07-01.

Conditions:
DYRK1B-related disorder. Also called: DYRK1B-related condition.

Allele frequency attached by ClinVar (database versions not stated): ExAC 0.00004; gnomAD 0.00007; ESP Exome Variant Server 0.00008; TOPMed 0.00008.
gnomAD v4.1: 24 of 1,613,592 alleles (0.0015%); highest among the groups gnomAD compares: African/African-American, 0.029%; no homozygotes.

Submissions (2):

Labcorp Genetics (formerly Invitae), Labcorp
Classification: Likely benign. Last evaluated: 2022-07-01. Review status: criteria provided, single submitter. Criteria: Invitae Variant Classification Sherloc (09022015). Collection method: clinical testing. Allele origin: germline.

PreventionGenetics, part of Exact Sciences
Classification: Likely benign for DYRK1B-related condition. Last evaluated: 2021-10-23. Review status: no assertion criteria provided. Collection method: clinical testing. Allele origin: germline. Not counted in ClinVar's aggregate classification.
Comment: This variant is classified as likely benign based on ACMG/AMP sequence variant interpretation guidelines (Richards et al. 2015 PMID: 25741868, with internal and published modifications).

NM_004714.3(DYRK1B):c.591G>A (p.Leu197=)

Gene: DYRK1B (dual specificity tyrosine phosphorylation regulated kinase 1B; minus strand). Cytogenetic location: 19q13.2.
Variant type: single nucleotide variant.
Coding change: c.591G>A on transcript NM_004714.3 (MANE Select); coding-DNA position 591, G replaced by A.
Protein change: p.Leu197=; no amino-acid change (leucine 197 retained).
Molecular consequence: synonymous variant.
Genome position (GRCh38, 1-based): chr19:39,828,513, C>T on the plus strand (G>A on the coding strand, the complement: DYRK1B is on the minus strand). VCF-style: chr19-39828513-C-T. GRCh37 (hg19) VCF-style: chr19-40319153-C-T.
Other names: c.591G>A, p.Leu197= (NM_006483.3, NM_006484.3); c.591G>A (NM_004714.2).
Identifiers: ClinVar variation 1904006 (VCV001904006.7), dbSNP rs377036516, ClinGen allele CA9434255.